The following is an entry in ClinVar:

ClinVar aggregate classification (germline): Conflicting classifications of pathogenicity. Review status: criteria provided, conflicting classifications (1 of 4 stars). 5 submissions from 5 submitters: Uncertain significance (2); Likely benign (2). 1 of the submissions does not count toward it. Last evaluated 2026-01-28.

Conditions:
ATP6AP1-related disorder. Also called: ATP6AP1-related condition; ATP6AP1-related disorders.
Congenital disorder of glycosylation, type Ii. Also called: CDG Ii; ALG2-congenital disorder of glycosylation; ALG2-CDG. Identifiers: Orphanet 79326, MedGen C1842836, MONDO:0011933, OMIM 607906.

Allele frequency attached by ClinVar (database versions not stated): gnomAD exomes 0.00095 and 0.00120; TOPMed 0.00063; gnomAD 0.00064 and 0.00072; ESP Exome Variant Server 0.00061; 1000 Genomes Project 0.00079; 1000 Genomes Project 30x 0.00042; ExAC 0.00282.
gnomAD v4.1: 1,075 of 1,147,136 alleles (0.094%); highest among the groups gnomAD compares: South Asian, 0.39%; 4 homozygotes.

Submissions (5):

Labcorp Genetics (formerly Invitae), Labcorp
Classification: Likely benign. Last evaluated: 2026-01-28. Review status: criteria provided, single submitter. Criteria: Invitae Variant Classification Sherloc (09022015). Collection method: clinical testing. Allele origin: germline.

Blueprint Genetics
Classification: Likely benign. Last evaluated: 2024-11-20. Review status: criteria provided, single submitter. Criteria: ACMG Guidelines, 2015. Collection method: clinical testing. Allele origin: germline.

Department of Pathology and Laboratory Medicine, Sinai Health System
Classification: Uncertain significance for Congenital disorder of glycosylation, type Ii. Last evaluated: 2022-08-08. Review status: criteria provided, single submitter. Criteria: ACMG Guidelines, 2015. Collection method: research. Allele origin: germline.

Eurofins Ntd Llc (ga)
Classification: Uncertain significance. Last evaluated: 2017-11-30. Review status: criteria provided, single submitter. Criteria: EGL Classification Definitions 2015. Collection method: clinical testing. Allele origin: germline. Observed: 1 variant allele, 1 heterozygote.

PreventionGenetics, part of Exact Sciences
Classification: Likely benign for ATP6AP1-related condition. Last evaluated: 2020-06-11. Review status: no assertion criteria provided. Collection method: clinical testing. Allele origin: germline. Not counted in ClinVar's aggregate classification.
Comment: This variant is classified as likely benign based on ACMG/AMP sequence variant interpretation guidelines (Richards et al. 2015 PMID: 25741868, with internal and published modifications).

NM_001183.6(ATP6AP1):c.43C>T (p.Arg15Trp)

Gene: ATP6AP1 (ATPase H+ transporting accessory protein 1; plus strand). Cytogenetic location: Xq28.
Variant type: single nucleotide variant.
Coding change: c.43C>T on transcript NM_001183.6 (MANE Select); coding-DNA position 43, C replaced by T.
Protein change: p.Arg15Trp; replaces arginine 15 with tryptophan.
Molecular consequence: missense variant.
Genome position (GRCh38, 1-based): chrX:154,428,735, C>T. VCF-style: chrX-154428735-C-T. GRCh37 (hg19) VCF-style: chrX-153657081-C-T.
Other names: short protein forms R15W.
Identifiers: ClinVar variation 595205 (VCV000595205.21), dbSNP rs201620814, ClinGen allele CA10562498.